The following is an entry in ClinVar:

NM_000368.5(TSC1):c.1948G>A (p.Asp650Asn)

Gene: TSC1 (TSC complex subunit 1; minus strand). Cytogenetic location: 9q34.13.
Variant type: single nucleotide variant.
Coding change: c.1948G>A on transcript NM_000368.5 (MANE Select); coding-DNA position 1948, G replaced by A.
Protein change: p.Asp650Asn; replaces aspartic acid 650 with asparagine.
Molecular consequence: missense variant.
Genome position (GRCh38, 1-based): chr9:132,905,630, C>T on the plus strand (G>A on the coding strand, the complement: TSC1 is on the minus strand). VCF-style: chr9-132905630-C-T. GRCh37 (hg19) VCF-style: chr9-135781017-C-T.
Other names: c.1945G>A, p.Asp649Asn (NM_001406603.1, NM_001406604.1, NM_001406608.1 and 6 more transcripts); c.1948G>A, p.Asp650Asn (NM_001406605.1, NM_001406606.1, NM_001406607.1 and 7 more transcripts); c.1795G>A, p.Asp599Asn (NM_001406610.1, NM_001162427.2); c.1792G>A, p.Asp598Asn (NM_001406611.1, NM_001406612.1, NM_001406613.1); c.1585G>A, p.Asp529Asn (NM_001362177.2, NM_001406614.1, NM_001406615.1 and 5 more transcripts); c.1582G>A, p.Asp528Asn (NM_001406620.1, NM_001406621.1, NM_001406622.1 and 2 more transcripts); c.997G>A, p.Asp333Asn (NM_001406626.1); c.994G>A, p.Asp332Asn (NM_001406627.1, NM_001406628.1); and 1 more; short protein forms D598N, D528N, D529N, D599N, D332N, D333N, D649N, D299N.
Identifiers: ClinVar variation 1783159 (VCV001783159.4), dbSNP rs2131810664, ClinGen allele CA375362482.
Genomic context (GRCh38, chr9:132,905,630, plus strand): 5'-CAGTCCCTTACTTGTTCAGCTCCTTGCTGTGCGCGTCTGCTCCCTGCTGTATCAGTCTGT[C>T]CAGCACTTCCATTGGGGAGGTAGAGGGCACACCATCTTCCTCTGTGTTTCCTTTTGCTTT-3'
Protein context (NP_000359.1, residues 640-660): VPSTSPMEVL[Asp650Asn]RLIQQGADAH

ClinVar aggregate classification (germline): Uncertain significance. Review status: criteria provided, multiple submitters, no conflicts (2 of 4 stars). 2 submissions from 2 submitters: Uncertain significance (2). Last evaluated 2025-12-22.

Conditions:
Tuberous sclerosis syndrome (TSC). Also called: Tuberous Sclerosis Complex; Tuberous sclerosis. Identifiers: Orphanet 805, MedGen C0041341, MONDO:0001734.
Hereditary cancer-predisposing syndrome. Also called: Tumor predisposition; Hereditary Cancer Syndrome; Hereditary neoplastic syndrome; Neoplastic Syndromes, Hereditary. Identifiers: Orphanet 140162, MedGen C0027672, MeSH D009386, MONDO:0015356.

Submissions (2):

Ambry Genetics
Classification: Uncertain significance for Hereditary cancer-predisposing syndrome. Last evaluated: 2025-12-22. Review status: criteria provided, single submitter. Criteria: Ambry Variant Classification Scheme 2023. Collection method: clinical testing. Allele origin: germline.
Comment: The p.D650N variant (also known as c.1948G>A), located in coding exon 13 of the TSC1 gene, results from a G to A substitution at nucleotide position 1948. The aspartic acid at codon 650 is replaced by asparagine, an amino acid with highly similar properties. This amino acid position is highly conserved in available vertebrate species. In addition, the in silico prediction for this alteration is inconclusive. Based on the available evidence, the clinical significance of this variant remains unclear.

All of Us Research Program, National Institutes of Health
Classification: Uncertain significance for Tuberous sclerosis syndrome. Last evaluated: 2024-04-16. Review status: criteria provided, single submitter. Criteria: ACMG Guidelines, 2015. Collection method: clinical testing. Allele origin: germline. Inheritance: Autosomal dominant inheritance. Observed: 1 variant allele, 1 heterozygote.
Comment: This missense variant replaces aspartic acid with asparagine at codon 650 of the TSC1 protein. Computational prediction suggests that this variant may have deleterious impact on protein structure and function (internally defined REVEL score threshold >= 0.7, PMID: 27666373). To our knowledge, functional studies have not been reported for this variant. This variant has not been reported in individuals affected with TSC1-related disorders in the literature. This variant has not been identified in the general population by the Genome Aggregation Database (gnomAD). The available evidence is insufficient to determine the role of this variant in disease conclusively. Therefore, this variant is classified as a Variant of Uncertain Significance.

This study involves interpretation of variants in research participants for the purpose of population health screening. Participant phenotype was not available at the time of variant classification. Additional details can be found in publication PMID: 35346344, PMCID: PMC8962531